The following is an entry in ClinVar:

NM_013447.4(ADGRE2):c.2T>C (p.Met1Thr)

Gene: ADGRE2 (adhesion G protein-coupled receptor E2; minus strand). Cytogenetic location: 19p13.12.
Variant type: single nucleotide variant.
Coding change: c.2T>C on transcript NM_013447.4 (MANE Select); coding-DNA position 2, T replaced by C.
Protein change: p.Met1Thr; changes the start codon (methionine 1).
Molecular consequence: missense variant, initiator codon variant.
Genome position (GRCh38, 1-based): chr19:14,776,755, A>G on the plus strand (T>C on the coding strand, the complement: ADGRE2 is on the minus strand). VCF-style: chr19-14776755-A-G. GRCh37 (hg19) VCF-style: chr19-14887567-A-G.
Other names: c.2T>C, p.Met1Thr (NM_001271052.1, NM_152916.2, NM_152917.2); short protein forms M1T.
Identifiers: ClinVar variation 2147002 (VCV002147002.5), dbSNP rs144674259, ClinGen allele CA9258367.
Genomic context (GRCh38, chr19:14,776,755, plus strand): 5'-ACCACCCCCAGCGGGGCCCCAAAGTACTTACCGAGAAAGACGAGAAAGACGCGGCCTCCC[A>G]TGGTTCCAGCTGAGCTGCCGGCAGGAGCAGCAGGGGAAAGAGTGAGTGGGACAGGGCTGT-3'
Protein context (NP_038475.2, residues 1-11): [Met1Thr]GGRVFLVFLA

ClinVar aggregate classification (germline): Uncertain significance (1 of 4 stars; one submission).

Allele frequency attached by ClinVar (database versions not stated): TOPMed 0.00004; ESP Exome Variant Server 0.00008; gnomAD 0.00010; 1000 Genomes Project 0.00080; 1000 Genomes Project 30x 0.00109.

Submission:

Labcorp Genetics (formerly Invitae), Labcorp
Classification: Uncertain significance. Last evaluated: 2026-01-26. Review status: criteria provided, single submitter. Criteria: Invitae Variant Classification Sherloc (09022015). Collection method: clinical testing. Allele origin: germline.
Comment: This sequence change affects the initiator codon of the ADGRE2 mRNA. This change may impact translation initiation or efficiency. The next in-frame methionine is located at codon 62. This variant is present in population databases (rs144674259, gnomAD 0.06%). This variant has not been reported in the literature in individuals affected with ADGRE2-related conditions. ClinVar contains an entry for this variant (Variation ID: 2147002). Experimental studies and prediction algorithms are not available or were not evaluated, and the functional significance of this variant is currently unknown. In summary, the available evidence is currently insufficient to determine the role of this variant in disease. Therefore, it has been classified as a Variant of Uncertain Significance.